The following is an entry in ClinVar:

ClinVar aggregate classification (germline): Pathogenic (1 of 4 stars; one submission).

Submission:

Labcorp Genetics (formerly Invitae), Labcorp
Classification: Pathogenic. Last evaluated: 2021-09-02. Review status: criteria provided, single submitter. Criteria: Invitae Variant Classification Sherloc (09022015). Collection method: clinical testing. Allele origin: germline.
Comment: A gross deletion of the genomic region encompassing the full coding sequence of the LAT gene has been identified. Loss-of-function variants in LAT are known to be pathogenic (PMID: 27242165, 27522155). The boundaries of this event are unknown as they extend beyond the assayed region for this gene and therefore may encompass additional genes. Isolated whole-gene deletions of LAT have not been reported in the literature. However, larger copy number events that include this gene have been reported (PMID: 24707176, 28965845). For these reasons, this variant has been classified as Pathogenic.

Literature cited by the submitters: PubMed 27242165; PubMed 27522155; PubMed 24707176; PubMed 28965845.

NC_000016.9:g.(?_28996697)_(29001658_?)del

Gene: LAT (linker for activation of T cells; plus strand). Cytogenetic location: 16p11.2.
Variant type: Deletion.
Identifiers: ClinVar variation 2423470 (VCV002423470.3).